The following is an entry in ClinVar:

ClinVar aggregate classification (germline): Likely benign. Review status: criteria provided, multiple submitters, no conflicts (2 of 4 stars). 4 submissions from 4 submitters: Likely benign (4). Last evaluated 2025-05-02.

Conditions:
Familial thoracic aortic aneurysm and aortic dissection (TAAD). Also called: Thoracic aortic aneurysms and dissections. Identifiers: Orphanet 91387, MedGen C4707243, MONDO:0019625.
Aortic aneurysm, familial thoracic 4 (AAT4). Also called: AORTIC ANEURYSM/AORTIC DISSECTION AND PATENT DUCTUS ARTERIOSUS. Identifiers: MedGen C1851504, MONDO:0007568, OMIM 132900.

Allele frequency attached by ClinVar (database versions not stated): gnomAD 0.00001; gnomAD exomes 0.00001; ExAC 0.00002; TOPMed 0.00002; ESP Exome Variant Server 0.00008.
gnomAD v4.1: 24 of 1,613,808 alleles (0.0015%); highest among the groups gnomAD compares: Non-Finnish European, 0.0019%; no homozygotes.

Submissions (4):

Labcorp Genetics (formerly Invitae), Labcorp
Classification: Likely benign for Aortic aneurysm, familial thoracic 4. Last evaluated: 2025-05-02. Review status: criteria provided, single submitter. Criteria: Invitae Variant Classification Sherloc (09022015). Collection method: clinical testing. Allele origin: germline.

Ambry Genetics
Classification: Likely benign for Familial thoracic aortic aneurysm and aortic dissection. Last evaluated: 2025-03-31. Review status: criteria provided, single submitter. Criteria: Ambry Variant Classification Scheme 2023. Collection method: clinical testing. Allele origin: germline.

All of Us Research Program, National Institutes of Health
Classification: Likely benign for Familial thoracic aortic aneurysm and aortic dissection. Last evaluated: 2023-11-30. Review status: criteria provided, single submitter. Criteria: ACMG Guidelines, 2015. Collection method: clinical testing. Allele origin: germline. Inheritance: Autosomal dominant inheritance. Observed: 2 variant alleles, 2 heterozygotes.
Comment: This study involves interpretation of variants in research participants for the purpose of population health screening. Participant phenotype was not available at the time of variant classification. Additional details can be found in publication PMID: 35346344, PMCID: PMC8962531

Color Diagnostics, LLC DBA Color Health
Classification: Likely benign for Familial thoracic aortic aneurysm and aortic dissection. Last evaluated: 2022-09-16. Review status: criteria provided, single submitter. Criteria: ACMG Guidelines, 2015. Collection method: clinical testing. Allele origin: germline.

NM_002474.3(MYH11):c.960C>T (p.Ala320=)

Gene: MYH11 (myosin heavy chain 11; minus strand). Cytogenetic location: 16p13.11.
Variant type: single nucleotide variant.
Coding change: c.960C>T on transcript NM_002474.3 (MANE Select); coding-DNA position 960, C replaced by T.
Protein change: p.Ala320=; no amino-acid change (alanine 320 retained).
Molecular consequence: synonymous variant.
Genome position (GRCh38, 1-based): chr16:15,771,642, G>A on the plus strand (C>T on the coding strand, the complement: MYH11 is on the minus strand). VCF-style: chr16-15771642-G-A. GRCh37 (hg19) VCF-style: chr16-15865499-G-A.
Other names: c.981C>T, p.Ala327= (NM_001040113.2, NM_001040114.2); c.960C>T, p.Ala320= (NM_022844.3); c.960C>T (NM_002474.2).
Identifiers: ClinVar variation 3069222 (VCV003069222.4), dbSNP rs139211763, ClinGen allele CA7922766.